The following is an entry in ClinVar:

ClinVar aggregate classification (germline): Uncertain significance (1 of 4 stars; one submission).

Conditions:
3-Methylglutaconic aciduria type 2 (BTHS). Also called: CARDIOSKELETAL MYOPATHY WITH NEUTROPENIA AND ABNORMAL MITOCHONDRIA; Barth syndrome. Identifiers: Orphanet 111, MedGen C0574083, MONDO:0010543, OMIM 302060.

Submission:

Labcorp Genetics (formerly Invitae), Labcorp
Classification: Uncertain significance for 3-Methylglutaconic aciduria type 2. Last evaluated: 2024-11-05. Review status: criteria provided, single submitter. Criteria: Invitae Variant Classification Sherloc (09022015). Collection method: clinical testing. Allele origin: germline.
Comment: This sequence change affects codon 28 of the TAZ mRNA. It is a 'silent' change, meaning that it does not change the encoded amino acid sequence of the TAZ protein. This variant is not present in population databases (gnomAD no frequency). This variant has not been reported in the literature in individuals affected with TAZ-related conditions. Algorithms developed to predict the effect of sequence changes on RNA splicing suggest that this variant may disrupt the consensus splice site. In summary, the available evidence is currently insufficient to determine the role of this variant in disease. Therefore, it has been classified as a Variant of Uncertain Significance.

NM_000116.5(TAFAZZIN):c.84G>A (p.Val28=)

Genes: DNASE1L1 (deoxyribonuclease 1 like 1; minus strand), TAFAZZIN (tafazzin, phospholipid-lysophospholipid transacylase; plus strand), LOC130068869 (ATAC-STARR-seq lymphoblastoid silent region 21101; plus strand). Cytogenetic location: Xq28.
Variant type: single nucleotide variant.
Coding change: c.84G>A on transcript NM_000116.5 (MANE Select); coding-DNA position 84, G replaced by A.
Protein change: p.Val28=; no amino-acid change (valine 28 retained).
Molecular consequence: synonymous variant. On other transcripts: 5 prime UTR variant (3), non-coding transcript variant (1).
Genome position (GRCh38, 1-based): chrX:154,411,927, G>A. VCF-style: chrX-154411927-G-A. GRCh37 (hg19) VCF-style: chrX-153640264-G-A.
Other names: c.-467C>T (NM_001009932.3); c.-209C>T (NM_001009933.3); c.-124C>T (NM_001009934.3); c.84G>A, p.Val28= (NM_001303465.2, NM_001410698.1, NM_001440856.1 and 5 more transcripts).
Identifiers: ClinVar variation 3640074 (VCV003640074.2).